The following is an entry in ClinVar:

NM_025074.7(FRAS1):c.3986G>A (p.Gly1329Asp)

Gene: FRAS1 (Fraser extracellular matrix complex subunit 1; plus strand). Cytogenetic location: 4q21.21.
Variant type: single nucleotide variant.
Coding change: c.3986G>A on transcript NM_025074.7 (MANE Select); coding-DNA position 3986, G replaced by A.
Protein change: p.Gly1329Asp; replaces glycine 1329 with aspartic acid.
Molecular consequence: missense variant.
Genome position (GRCh38, 1-based): chr4:78,400,744, G>A. VCF-style: chr4-78400744-G-A. GRCh37 (hg19) VCF-style: chr4-79321898-G-A.
Other names: c.3986G>A, p.Gly1329Asp (NM_001166133.2); short protein forms G1329D.
Identifiers: ClinVar variation 906291 (VCV000906291.6), dbSNP rs375515578, ClinGen allele CA2977070.

ClinVar aggregate classification (germline): Uncertain significance. Review status: criteria provided, multiple submitters, no conflicts (2 of 4 stars). 3 submissions from 3 submitters: Uncertain significance (3). Last evaluated 2024-11-25.

Conditions:
FRAS1-related disorder. Also called: FRAS1-related condition.
Fraser syndrome 1 (FRASRS1). Also called: CRYPTOPHTHALMOS WITH OTHER MALFORMATIONS. Identifiers: Orphanet 2052, MedGen C4551480, MONDO:0054737, OMIM 219000.

Allele frequency attached by ClinVar (database versions not stated): gnomAD exomes below 0.00001 and 0.00002; gnomAD 0.00002 and 0.00003; ExAC 0.00003; TOPMed 0.00003; ESP Exome Variant Server 0.00008.
gnomAD v4.1: 11 of 1,612,558 alleles (0.00068%); highest among the groups gnomAD compares: African/African-American, 0.004%; no homozygotes.

Submissions (3):

PreventionGenetics, part of Exact Sciences
Classification: Uncertain significance for FRAS1-related condition. Last evaluated: 2024-11-25. Review status: criteria provided, single submitter. Criteria: ACMG Guidelines, 2015. Collection method: clinical testing. Allele origin: germline.
Comment: The FRAS1 c.3986G>A variant is predicted to result in the amino acid substitution p.Gly1329Asp. To our knowledge, this variant has not been reported in the literature. This variant is reported in 0.0065% of alleles in individuals of African descent in gnomAD. At this time, the clinical significance of this variant is uncertain due to the absence of conclusive functional and genetic evidence.

Fulgent Genetics
Classification: Uncertain significance for Fraser syndrome 1. Last evaluated: 2022-04-30. Review status: criteria provided, single submitter. Criteria: ACMG Guidelines, 2015. Collection method: clinical testing. Allele origin: unknown.

Illumina Laboratory Services, Illumina
Classification: Uncertain significance for Fraser syndrome 1. Last evaluated: 2018-03-16. Review status: criteria provided, single submitter. Criteria: ICSL Variant Classification Criteria 13 December 2019. Collection method: clinical testing. Allele origin: germline.